The following is an entry in ClinVar:

NM_000256.3(MYBPC3):c.326C>A (p.Ala109Asp)

Gene: MYBPC3 (myosin binding protein C3; minus strand). Cytogenetic location: 11p11.2.
Variant type: single nucleotide variant.
Coding change: c.326C>A on transcript NM_000256.3 (MANE Select); coding-DNA position 326, C replaced by A.
Protein change: p.Ala109Asp; replaces alanine 109 with aspartic acid.
Molecular consequence: missense variant.
Genome position (GRCh38, 1-based): chr11:47,350,582, G>T on the plus strand (C>A on the coding strand, the complement: MYBPC3 is on the minus strand). VCF-style: chr11-47350582-G-T. GRCh37 (hg19) VCF-style: chr11-47372133-G-T.
Other names: c.326C>A, p.Ala109Asp (LRG_386t1); short protein forms A109D.
Identifiers: ClinVar variation 641905 (VCV000641905.8), dbSNP rs397516011, ClinGen allele CA380340944.

ClinVar aggregate classification (germline): Uncertain significance (1 of 4 stars; one submission).

Conditions:
Hypertrophic cardiomyopathy. Also called: HYPERTROPHIC MYOCARDIOPATHY. Identifiers: Orphanet 217569, MedGen C0007194, MeSH D002312, MONDO:0005045, HP:0001639.

Submission:

Labcorp Genetics (formerly Invitae), Labcorp
Classification: Uncertain significance for Hypertrophic cardiomyopathy. Last evaluated: 2018-11-16. Review status: criteria provided, single submitter. Criteria: Invitae Variant Classification Sherloc (09022015). Collection method: clinical testing. Allele origin: germline.
Comment: This sequence change replaces alanine with aspartic acid at codon 109 of the MYBPC3 protein (p.Ala109Asp). The alanine residue is weakly conserved and there is a moderate physicochemical difference between alanine and aspartic acid. In summary, the available evidence is currently insufficient to determine the role of this variant in disease. Therefore, it has been classified as a Variant of Uncertain Significance. Algorithms developed to predict the effect of missense changes on protein structure and function (SIFT, PolyPhen-2, Align-GVGD) all suggest that this variant is likely to be tolerated, but these predictions have not been confirmed by published functional studies and their clinical significance is uncertain. This variant has not been reported in the literature in individuals with MYBPC3-related disease. This variant is not present in population databases (ExAC no frequency).